The following is an entry in ClinVar:

NM_201384.3(PLEC):c.9043A>G (p.Thr3015Ala)

Gene: PLEC (plectin; minus strand). Cytogenetic location: 8q24.3.
Variant type: single nucleotide variant.
Coding change: c.9043A>G on transcript NM_201384.3 (MANE Select); coding-DNA position 9043, A replaced by G.
Protein change: p.Thr3015Ala; replaces threonine 3015 with alanine.
Molecular consequence: missense variant.
Genome position (GRCh38, 1-based): chr8:143,920,778, T>C on the plus strand (A>G on the coding strand, the complement: PLEC is on the minus strand). VCF-style: chr8-143920778-T-C. GRCh37 (hg19) VCF-style: chr8-144994946-T-C.
Other names: c.9124A>G (NM_000445.3); c.9124A>G, p.Thr3042Ala (NM_000445.5); c.5743A>G, p.Thr1915Ala (NM_001410941.1); c.9001A>G, p.Thr3001Ala (NM_201378.4); c.8977A>G, p.Thr2993Ala (NM_201379.3); c.9454A>G, p.Thr3152Ala (NM_201380.4); c.8947A>G, p.Thr2983Ala (NM_201381.3); c.9043A>G, p.Thr3015Ala (NM_201382.4); and 1 more; short protein forms T2993A, T3019A, T3001A, T3042A, T3152A, T1915A, T2983A, T3015A.
Identifiers: ClinVar variation 2948906 (VCV002948906.4), dbSNP rs782319376, ClinGen allele CA4925099.

ClinVar aggregate classification (germline): Conflicting classifications of pathogenicity. Review status: criteria provided, conflicting classifications (1 of 4 stars). 2 submissions from 2 submitters: Uncertain significance (1); Likely benign (1). Last evaluated 2024-05-17.

Conditions:
Epidermolysis bullosa simplex with nail dystrophy (EBS5D). Identifiers: MedGen C4225309, MONDO:0014661, OMIM 616487.
Epidermolysis bullosa simplex, Ogna type (EBS5A). Also called: Pidermolysis bullosa simplex 5A, Ogna type; EPIDERMOLYSIS BULLOSA SIMPLEX 5A, OGNA TYPE. Identifiers: Orphanet 79401, MedGen C0432317, MONDO:0007555, OMIM 131950.
Autosomal recessive limb-girdle muscular dystrophy type 2Q (LGMDR17). Also called: MUSCULAR DYSTROPHY, LIMB-GIRDLE, AUTOSOMAL RECESSIVE 17. Identifiers: Orphanet 254361, MedGen C3150989, MONDO:0013390, OMIM 613723.
Epidermolysis bullosa simplex 5B, with muscular dystrophy (EBS5B). Also called: EPIDERMOLYSIS BULLOSA SIMPLEX AND LIMB-GIRDLE MUSCULAR DYSTROPHY; Epidermolysis bullosa simplex with muscular dystrophy. Identifiers: Orphanet 257, MedGen C2931072, MONDO:0009181, OMIM 226670.
Epidermolysis bullosa simplex 5C, with pyloric atresia (EBS5C). Also called: PLEC-Related Epidermolysis Bullosa with Pyloric Atresia; Epidermolysis bullosa simplex with pyloric atresia; PLEC1-Related Epidermolysis Bullosa with Pyloric Atresia. Identifiers: Orphanet 158684, MedGen C2677349, MONDO:0012807, OMIM 612138.
Inborn genetic diseases. Identifiers: MedGen C0950123, MeSH D030342.

Allele frequency attached by ClinVar (database versions not stated): gnomAD 0.00001; TOPMed 0.00002; gnomAD exomes 0.00003; ExAC 0.00006.
gnomAD v4.1: 47 of 1,606,960 alleles (0.0029%); highest among the groups gnomAD compares: South Asian, 0.037%; no homozygotes.

Submissions (2):

Labcorp Genetics (formerly Invitae), Labcorp
Classification: Uncertain significance for Autosomal recessive limb-girdle muscular dystrophy type 2Q; Epidermolysis bullosa simplex, Ogna type; Epidermolysis bullosa simplex with nail dystrophy; Epidermolysis bullosa simplex 5C, with pyloric atresia; Epidermolysis bullosa simplex 5B, with muscular dystrophy. Last evaluated: 2024-05-17. Review status: criteria provided, single submitter. Criteria: Invitae Variant Classification Sherloc (09022015). Collection method: clinical testing. Allele origin: germline.
Comment: This sequence change replaces threonine, which is neutral and polar, with alanine, which is neutral and non-polar, at codon 3042 of the PLEC protein (p.Thr3042Ala). This variant is present in population databases (rs782319376, gnomAD 0.05%). This variant has not been reported in the literature in individuals affected with PLEC-related conditions. Advanced modeling of protein sequence and biophysical properties (such as structural, functional, and spatial information, amino acid conservation, physicochemical variation, residue mobility, and thermodynamic stability) performed at Invitae indicates that this missense variant is not expected to disrupt PLEC protein function with a negative predictive value of 80%. In summary, the available evidence is currently insufficient to determine the role of this variant in disease. Therefore, it has been classified as a Variant of Uncertain Significance.

Ambry Genetics
Classification: Likely benign for Inborn genetic diseases. Last evaluated: 2024-03-15. Review status: criteria provided, single submitter. Criteria: Ambry Variant Classification Scheme 2023. Collection method: clinical testing. Allele origin: germline.